The following is an entry in ClinVar:

NM_013372.7(GREM1):c.272G>T (p.Arg91Leu)

Gene: GREM1 (gremlin 1, DAN family BMP antagonist; plus strand). Cytogenetic location: 15q13.3.
Variant type: single nucleotide variant.
Coding change: c.272G>T on transcript NM_013372.7 (MANE Select); coding-DNA position 272, G replaced by T.
Protein change: p.Arg91Leu; replaces arginine 91 with leucine.
Molecular consequence: missense variant.
Genome position (GRCh38, 1-based): chr15:32,730,962, G>T. VCF-style: chr15-32730962-G-T. GRCh37 (hg19) VCF-style: chr15-33023163-G-T.
Other names: c.62G>T, p.Arg21Leu (NM_001191322.2); c.149G>T, p.Arg50Leu (NM_001191323.2); c.272G>T, p.Arg91Leu (NM_001368719.1); short protein forms R91L, R21L, R50L.
Identifiers: ClinVar variation 5022517 (VCV005022517.1).

ClinVar aggregate classification (germline): Uncertain significance (1 of 4 stars; one submission).

Conditions:
Hereditary cancer-predisposing syndrome. Also called: Neoplastic Syndromes, Hereditary; Tumor predisposition; Hereditary neoplastic syndrome; Hereditary Cancer Syndrome. Identifiers: Orphanet 140162, MedGen C0027672, MeSH D009386, MONDO:0015356.

gnomAD v4.1: 1 of 1,614,042 alleles (0.000062%); highest among the groups gnomAD compares: African/African-American, 0.0013%; no homozygotes.

Submission:

Ambry Genetics
Classification: Uncertain significance for Hereditary cancer-predisposing syndrome. Last evaluated: 2026-07-27. Review status: criteria provided, single submitter. Criteria: Ambry Variant Classification Scheme 2023. Collection method: clinical testing. Allele origin: germline.
Comment: The p.R91L variant (also known as c.272G>T), located in coding exon 1 of the GREM1 gene, results from a G to T substitution at nucleotide position 272. The arginine at codon 91 is replaced by leucine, an amino acid with dissimilar properties. This amino acid position is conserved. In addition, the in silico prediction for this alteration is inconclusive. Based on the available evidence, the clinical significance of this variant remains unclear.